The following is an entry in ClinVar:

NM_000168.6(GLI3):c.661G>T (p.Gly221Trp)

Gene: GLI3 (GLI family zinc finger 3; minus strand). Cytogenetic location: 7p14.1.
Variant type: single nucleotide variant.
Coding change: c.661G>T on transcript NM_000168.6 (MANE Select); coding-DNA position 661, G replaced by T.
Protein change: p.Gly221Trp; replaces glycine 221 with tryptophan.
Molecular consequence: missense variant.
Genome position (GRCh38, 1-based): chr7:42,048,509, C>A on the plus strand (G>T on the coding strand, the complement: GLI3 is on the minus strand). VCF-style: chr7-42048509-C-A. GRCh37 (hg19) VCF-style: chr7-42088108-C-A.
Other names: short protein forms G221W.
Identifiers: ClinVar variation 3750488 (VCV003750488.2).

ClinVar aggregate classification (germline): Uncertain significance (1 of 4 stars; one submission).

Conditions:
Pallister-Hall syndrome (PHS). Also called: HYPOTHALAMIC HAMARTOBLASTOMA, HYPOPITUITARISM, IMPERFORATE ANUS, AND POSTAXIAL POLYDACTYLY; GLI3-Related Pallister-Hall Syndrome. Identifiers: Orphanet 672, MedGen C0265220, MONDO:0007804, OMIM 146510.
Greig cephalopolysyndactyly syndrome (GCPS). Also called: GLI3-Related Greig Cephalopolysyndactyly Syndrome; POLYSYNDACTYLY WITH PECULIAR SKULL SHAPE; Greig syndrome. Identifiers: Orphanet 380, MedGen C0265306, MONDO:0008287, OMIM 175700.

gnomAD v4.1: 14 of 1,611,194 alleles (0.00087%); highest among the groups gnomAD compares: Non-Finnish European, 0.0012%; no homozygotes.

Submission:

Labcorp Genetics (formerly Invitae), Labcorp
Classification: Uncertain significance for Pallister-Hall syndrome; Greig cephalopolysyndactyly syndrome. Last evaluated: 2025-01-29. Review status: criteria provided, single submitter. Criteria: Invitae Variant Classification Sherloc (09022015). Collection method: clinical testing. Allele origin: germline.
Comment: This sequence change replaces glycine, which is neutral and non-polar, with tryptophan, which is neutral and slightly polar, at codon 221 of the GLI3 protein (p.Gly221Trp). This variant is present in population databases (no rsID available, gnomAD 0.0009%). This variant has not been reported in the literature in individuals affected with GLI3-related conditions. Invitae Evidence Modeling of protein sequence and biophysical properties (such as structural, functional, and spatial information, amino acid conservation, physicochemical variation, residue mobility, and thermodynamic stability) has been performed for this missense variant. However, the output from this modeling did not meet the statistical confidence thresholds required to predict the impact of this variant on GLI3 protein function. In summary, the available evidence is currently insufficient to determine the role of this variant in disease. Therefore, it has been classified as a Variant of Uncertain Significance.